The following is an entry in ClinVar:

ClinVar aggregate classification (germline): Pathogenic/Likely pathogenic. Review status: criteria provided, multiple submitters, no conflicts (2 of 4 stars). 2 submissions from 2 submitters: Pathogenic (1); Likely pathogenic (1). Last evaluated 2026-05-06.

Conditions:
Isolated growth hormone deficiency, type 4. Also called: ISOLATED GROWTH HORMONE DEFICIENCY, TYPE IV; DWARFISM OF SINDH. Identifiers: Orphanet 684247, MedGen C4722273, MONDO:0032567, OMIM 618157.

Allele frequency attached by ClinVar (database versions not stated): gnomAD exomes 0.00007 and 0.00003; ESP Exome Variant Server 0.00015; ExAC 0.00007; gnomAD 0.00001; TOPMed 0.00002.
gnomAD v4.1: 42 of 1,612,740 alleles (0.0026%); highest among the groups gnomAD compares: Admixed American, 0.015%; no homozygotes.

Submissions (2):

Women's Health and Genetics/Laboratory Corporation of America, LabCorp
Classification: Likely pathogenic for Isolated growth hormone deficiency, type 4. Last evaluated: 2026-05-06. Review status: criteria provided, single submitter. Criteria: LabCorp Variant Classification Summary - May 2015. Collection method: clinical testing. Allele origin: germline.
Comment: Variant summary: GHRHR c.280C>T (p.Arg94Trp) results in a non-conservative amino acid change in the encoded protein sequence. Algorithms developed to predict the effect of missense changes on protein structure and function all suggest that this variant is likely to be disruptive. The variant allele was found at a frequency of 6.8e-05 in 251474 control chromosomes (gnomAD). This frequency is not significantly higher than estimated for disease-causing variants in GHRHR, allowing no conclusion about variant significance. c.280C>T has been observed in individuals affected with Isolated growth hormone deficiency, type 4 (Cho_2013, Kale_2020, internal data). These data indicate that the variant may be associated with disease. A different variant affecting the same codon has been classified as pathogenic by our lab (c.281G>A, p.Arg94Gln), supporting the critical relevance of codon 94 to GHRHR protein function. To our knowledge, no experimental evidence demonstrating an impact on protein function has been reported. The following publications have been ascertained in the context of this evaluation (PMID: 22844977, 32894409). ClinVar contains an entry for this variant (Variation ID: 1449976). Based on the evidence outlined above, the variant was classified as likely pathogenic.

Labcorp Genetics (formerly Invitae), Labcorp
Classification: Pathogenic. Last evaluated: 2025-03-18. Review status: criteria provided, single submitter. Criteria: Invitae Variant Classification Sherloc (09022015). Collection method: clinical testing. Allele origin: germline.
Comment: This sequence change replaces arginine, which is basic and polar, with tryptophan, which is neutral and slightly polar, at codon 94 of the GHRHR protein (p.Arg94Trp). This variant is present in population databases (rs376258046, gnomAD 0.03%). This missense change has been observed in individual(s) with growth hormone deficiency (PMID: 22844977, 32894409; internal data). In at least one individual the data is consistent with being in trans (on the opposite chromosome) from a pathogenic variant. ClinVar contains an entry for this variant (Variation ID: 1449976). Invitae Evidence Modeling of protein sequence and biophysical properties (such as structural, functional, and spatial information, amino acid conservation, physicochemical variation, residue mobility, and thermodynamic stability) has been performed for this missense variant. However, the output from this modeling did not meet the statistical confidence thresholds required to predict the impact of this variant on GHRHR protein function. Algorithms developed to predict the effect of sequence changes on RNA splicing suggest that this variant may disrupt the consensus splice site. This variant disrupts the p.Arg94 amino acid residue in GHRHR. Other variant(s) that disrupt this residue have been determined to be pathogenic (PMID: 19567534, 31231873, 32894409). This suggests that this residue is clinically significant, and that variants that disrupt this residue are likely to be disease-causing. For these reasons, this variant has been classified as Pathogenic.

Literature cited by the submitters: PubMed 32894409 (cited by Women's Health and Genetics/Laboratory Corporation of America, LabCorp and Labcorp Genetics (formerly Invitae), Labcorp); PubMed 22844977 (cited by Women's Health and Genetics/Laboratory Corporation of America, LabCorp and Labcorp Genetics (formerly Invitae), Labcorp); PubMed 19567534 (cited by Labcorp Genetics (formerly Invitae), Labcorp); PubMed 31231873 (cited by Labcorp Genetics (formerly Invitae), Labcorp).

NM_000823.4(GHRHR):c.280C>T (p.Arg94Trp)

Gene: GHRHR (growth hormone releasing hormone receptor; plus strand). Cytogenetic location: 7p14.3.
Variant type: single nucleotide variant.
Coding change: c.280C>T on transcript NM_000823.4 (MANE Select); coding-DNA position 280, C replaced by T.
Protein change: p.Arg94Trp; replaces arginine 94 with tryptophan.
Molecular consequence: missense variant.
Genome position (GRCh38, 1-based): chr7:30,969,878, C>T. VCF-style: chr7-30969878-C-T. GRCh37 (hg19) VCF-style: chr7-31009493-C-T.
Other names: short protein forms R94W.
Identifiers: ClinVar variation 1449976 (VCV001449976.8), dbSNP rs376258046, ClinGen allele CA4208484.